The following is an entry in ClinVar:

NM_015981.4(CAMK2A):c.60C>G (p.Gly20=)

Gene: CAMK2A (calcium/calmodulin dependent protein kinase II alpha; minus strand). Cytogenetic location: 5q32.
Variant type: single nucleotide variant.
Coding change: c.60C>G on transcript NM_015981.4 (MANE Select); coding-DNA position 60, C replaced by G.
Protein change: p.Gly20=; no amino-acid change (glycine 20 retained).
Molecular consequence: synonymous variant.
Genome position (GRCh38, 1-based): chr5:150,289,566, G>C on the plus strand (C>G on the coding strand, the complement: CAMK2A is on the minus strand). VCF-style: chr5-150289566-G-C. GRCh37 (hg19) VCF-style: chr5-149669129-G-C.
Other names: c.60C>G, p.Gly20= (NM_001363989.1, NM_001363990.1, NM_001369025.2 and 1 more transcripts).
Identifiers: ClinVar variation 3768527 (VCV003768527.1).

ClinVar aggregate classification (germline): Uncertain significance (1 of 4 stars; one submission).

Submission:

Women's Health and Genetics/Laboratory Corporation of America, LabCorp
Classification: Uncertain significance. Last evaluated: 2024-12-31. Review status: criteria provided, single submitter. Criteria: LabCorp Variant Classification Summary - May 2015. Collection method: clinical testing. Allele origin: germline.
Comment: Variant summary: CAMK2A c.60C>G (p.Gly20Gly) alters a non-conserved nucleotide located close to a canonical splice site and therefore could affect mRNA splicing, leading to a significantly altered protein sequence. Several computational tools predict a significant impact on normal splicing: Three predict the variant weakens a 5' donor site. However, these predictions have yet to be confirmed by functional studies. The variant was absent in 249310 control chromosomes. The available data on variant occurrences in the general population are insufficient to allow any conclusion about variant significance. To our knowledge, no occurrence of c.60C>G in individuals affected with Intellectual Disability, Autosomal Dominant 53 and no experimental evidence demonstrating its impact on protein function have been reported. No submitters have cited clinical-significance assessments for this variant to ClinVar. Based on the evidence outlined above, the variant was classified as uncertain significance.